The following is an entry in ClinVar:

NM_016263.4(FZR1):c.1039C>G (p.Pro347Ala)

Gene: FZR1 (fizzy and cell division cycle 20 related 1; plus strand). Cytogenetic location: 19p13.3.
Variant type: single nucleotide variant.
Coding change: c.1039C>G on transcript NM_016263.4 (MANE Select); coding-DNA position 1039, C replaced by G.
Protein change: p.Pro347Ala; replaces proline 347 with alanine.
Molecular consequence: missense variant.
Genome position (GRCh38, 1-based): chr19:3,532,447, C>G. VCF-style: chr19-3532447-C-G. GRCh37 (hg19) VCF-style: chr19-3532445-C-G.
Other names: c.772C>G, p.Pro258Ala (NM_001136197.1); c.1039C>G, p.Pro347Ala (NM_001136198.1); short protein forms P258A, P347A.
Identifiers: ClinVar variation 4975638 (VCV004975638.1).

ClinVar aggregate classification (germline): Uncertain significance (1 of 4 stars; one submission).

gnomAD v4.1: 3 of 1,595,264 alleles (0.00019%); highest among the groups gnomAD compares: Non-Finnish European, 0.00026%; no homozygotes.

Submission:

GeneDx
Classification: Uncertain significance. Last evaluated: 2026-01-25. Review status: criteria provided, single submitter. Criteria: GeneDx Variant Classification Process June 2021. Collection method: clinical testing. Allele origin: germline.
Comment: Not observed at significant frequency in large population cohorts (gnomAD); In silico analysis supports that this missense variant has a deleterious effect on protein structure/function; Has not been previously published as pathogenic or benign to our knowledge